The following is an entry in ClinVar:

NM_000038.6(APC):c.2237G>A (p.Gly746Asp)

Gene: APC (APC regulator of Wnt signaling pathway; plus strand). Cytogenetic location: 5q22.2.
Variant type: single nucleotide variant.
Coding change: c.2237G>A on transcript NM_000038.6 (MANE Select); coding-DNA position 2237, G replaced by A.
Protein change: p.Gly746Asp; replaces glycine 746 with aspartic acid.
Molecular consequence: missense variant.
Genome position (GRCh38, 1-based): chr5:112,837,831, G>A. VCF-style: chr5-112837831-G-A. GRCh37 (hg19) VCF-style: chr5-112173528-G-A.
Other names: c.2237G>A, p.Gly746Asp (NM_001127510.3, NM_001354895.2); c.2183G>A, p.Gly728Asp (NM_001127511.3); c.2291G>A, p.Gly764Asp (NM_001354896.2); c.2267G>A, p.Gly756Asp (NM_001354897.2); c.2162G>A, p.Gly721Asp (NM_001354898.2); c.2153G>A, p.Gly718Asp (NM_001354899.2); c.2114G>A, p.Gly705Asp (NM_001354900.2); c.2060G>A, p.Gly687Asp (NM_001354901.2); and 5 more; short protein forms G463D, G645D, G705D, G764D, G620D, G721D, G728D, G746D.
Identifiers: ClinVar variation 948112 (VCV000948112.13), dbSNP rs1451093917, ClinGen allele CA16026234.
Genomic context (GRCh38, chr5:112,837,831, plus strand): 5'-TAAGGAATCTCATGGCAAATAGGCCTGCGAAGTACAAGGATGCCAATATTATGTCTCCTG[G>A]CTCAAGCTTGCCATCTCTTCATGTTAGGAAACAAAAAGCCCTAGAAGCAGAATTAGATGC-3'
Protein context (NP_000029.2, residues 736-756): KYKDANIMSP[Gly746Asp]SSLPSLHVRK

ClinVar aggregate classification (germline): Uncertain significance. Review status: criteria provided, multiple submitters, no conflicts (2 of 4 stars). 3 submissions from 3 submitters: Uncertain significance (3). Last evaluated 2024-04-24.

Conditions:
Familial adenomatous polyposis 1 (FAP1). Also called: FAMILIAL ADENOMATOUS POLYPOSIS 1, ATTENUATED; POLYPOSIS, ADENOMATOUS INTESTINAL. Identifiers: MedGen C2713442, MONDO:0021056, OMIM 175100. Disease mechanism: loss of function.
Hereditary cancer-predisposing syndrome. Also called: Hereditary neoplastic syndrome; Neoplastic Syndromes, Hereditary; Tumor predisposition; Hereditary Cancer Syndrome. Identifiers: Orphanet 140162, MedGen C0027672, MeSH D009386, MONDO:0015356.

gnomAD v4.1: 1 of 1,613,924 alleles (0.000062%); no homozygotes.

Submissions (3):

Labcorp Genetics (formerly Invitae), Labcorp
Classification: Uncertain significance for Familial adenomatous polyposis 1. Last evaluated: 2024-04-24. Review status: criteria provided, single submitter. Criteria: Invitae Variant Classification Sherloc (09022015). Collection method: clinical testing. Allele origin: germline.
Comment: This sequence change replaces glycine, which is neutral and non-polar, with aspartic acid, which is acidic and polar, at codon 746 of the APC protein (p.Gly746Asp). This variant is not present in population databases (gnomAD no frequency). This variant has not been reported in the literature in individuals affected with APC-related conditions. ClinVar contains an entry for this variant (Variation ID: 948112). Advanced modeling of protein sequence and biophysical properties (such as structural, functional, and spatial information, amino acid conservation, physicochemical variation, residue mobility, and thermodynamic stability) performed at Invitae indicates that this missense variant is not expected to disrupt APC protein function with a negative predictive value of 95%. In summary, the available evidence is currently insufficient to determine the role of this variant in disease. Therefore, it has been classified as a Variant of Uncertain Significance.

Ambry Genetics
Classification: Uncertain significance for Hereditary cancer-predisposing syndrome. Last evaluated: 2024-03-29. Review status: criteria provided, single submitter. Criteria: Ambry Variant Classification Scheme 2023. Collection method: clinical testing. Allele origin: germline.
Comment: The p.G746D variant (also known as c.2237G>A), located in coding exon 15 of the APC gene, results from a G to A substitution at nucleotide position 2237. The glycine at codon 746 is replaced by aspartic acid, an amino acid with similar properties. This amino acid position is highly conserved in available vertebrate species. Based on the available evidence, the clinical significance of this alteration remains unclear.

Baylor Genetics
Classification: Uncertain significance for Familial adenomatous polyposis 1. Last evaluated: 2024-02-23. Review status: criteria provided, single submitter. Criteria: ACMG Guidelines, 2015. Collection method: clinical testing. Allele origin: unknown.